The following is an entry in ClinVar:

NM_004817.4(TJP2):c.2454_2461del (p.Arg818fs)

Gene: TJP2 (tight junction protein 2; plus strand). Cytogenetic location: 9q21.11.
Variant type: Deletion.
Coding change: c.2454_2461del on transcript NM_004817.4 (MANE Select); coding-DNA positions 2454 to 2461, 8 bases deleted (ACAAGGTG; older notation c.2454_2461delACAAGGTG).
Protein change: p.Arg818fs; shifts the reading frame from arginine 818.
Molecular consequence: frameshift variant.
Genome position (GRCh38, 1-based): chr9:69,240,035-69,240,042, ACAAGGTG deleted; deleting any 8 consecutive bases within chr9:69,240,034-69,240,042 gives the same sequence; the c. name uses the placement nearest the transcript's 3' end. VCF-style (leftmost placement, unchanged base first): chr9-69240033-AGACAAGGT-A. GRCh37 (hg19) VCF-style: chr9-71854949-AGACAAGGT-A.
Other names: c.2385_2392del, p.Arg795fs (NM_001170414.2, NM_001369871.1); c.2466_2473del, p.Arg822fs (NM_001170415.1, NM_001369874.1, NM_001369875.1); c.2547_2554del, p.Arg849fs (NM_001170416.2); c.2379_2386del, p.Arg793fs (NM_001369870.1); c.2454_2461del, p.Arg818fs (NM_001369872.1, NM_001369873.1, NM_201629.3); short protein forms R822fs, R849fs, R818fs, R793fs, R795fs.
Identifiers: ClinVar variation 4985045 (VCV004985045.1).

ClinVar aggregate classification (germline): Likely pathogenic (1 of 4 stars; one submission).

Conditions:
TJP2-related disorder. Also called: TJP2-related condition.

Submission:

PreventionGenetics, part of Exact Sciences
Classification: Likely pathogenic for TJP2-related condition. Last evaluated: 2025-10-24. Review status: criteria provided, single submitter. Criteria: ACMG Guidelines, 2015. Collection method: clinical testing. Allele origin: germline.
Comment: The TJP2 c.2454_2461del8 variant is predicted to result in a frameshift and premature protein termination (p.Arg818Serfs*21). To our knowledge, this variant has not been reported in the literature or in a large population database (gnomAD), indicating this variant is rare. Frameshift variants in TJP2 are expected to be pathogenic. This variant is interpreted as likely pathogenic.